The following is an entry in ClinVar:

ClinVar aggregate classification (germline): Conflicting classifications of pathogenicity. Review status: criteria provided, conflicting classifications (1 of 4 stars). 4 submissions from 4 submitters: Uncertain significance (1); Likely benign (3). Last evaluated 2026-01-19.

Conditions:
Bardet-Biedl syndrome 9 (BBS9). Identifiers: Orphanet 110, MedGen C1859567, MONDO:0014437, OMIM 615986.
Bardet-Biedl syndrome (BBS). Identifiers: Orphanet 110, MedGen C0752166, MONDO:0015229.

Allele frequency attached by ClinVar (database versions not stated): ExAC 0.00012; gnomAD exomes 0.00014 and 0.00039; ESP Exome Variant Server 0.00015; TOPMed 0.00022; gnomAD 0.00024.
gnomAD v4.1: 618 of 1,614,028 alleles (0.038%); highest among the groups gnomAD compares: Non-Finnish European, 0.048%; no homozygotes.

Submissions (4):

Labcorp Genetics (formerly Invitae), Labcorp
Classification: Likely benign for Bardet-Biedl syndrome. Last evaluated: 2026-01-19. Review status: criteria provided, single submitter. Criteria: Invitae Variant Classification Sherloc (09022015). Collection method: clinical testing. Allele origin: germline.

CeGaT Center for Human Genetics Tuebingen
Classification: Likely benign. Last evaluated: 2025-12-01. Review status: criteria provided, single submitter. Criteria: CeGaT Center For Human Genetics Tuebingen Variant Classification Criteria Version 2. Collection method: clinical testing. Allele origin: germline. Affected: yes. Observed: 1 variant allele.
Comment: BBS9: BP4, BP7

Blueprint Genetics
Classification: Likely benign. Last evaluated: 2024-10-16. Review status: criteria provided, single submitter. Criteria: ACMG Guidelines, 2015. Collection method: clinical testing. Allele origin: germline.

Illumina Laboratory Services, Illumina
Classification: Uncertain significance for Bardet-Biedl syndrome 9. Last evaluated: 2018-01-13. Review status: criteria provided, single submitter. Criteria: ICSL Variant Classification Criteria 13 December 2019. Collection method: clinical testing. Allele origin: germline.

NM_198428.3(BBS9):c.2211G>A (p.Leu737=)

Gene: BBS9 (Bardet-Biedl syndrome 9; plus strand). Cytogenetic location: 7p14.3.
Variant type: single nucleotide variant.
Coding change: c.2211G>A on transcript NM_198428.3 (MANE Select); coding-DNA position 2211, G replaced by A.
Protein change: p.Leu737=; no amino-acid change (leucine 737 retained).
Molecular consequence: synonymous variant. On other transcripts: non-coding transcript variant (3), intron variant (1).
Genome position (GRCh38, 1-based): chr7:33,505,558, G>A. VCF-style: chr7-33505558-G-A. GRCh37 (hg19) VCF-style: chr7-33545170-G-A.
Other names: c.2106G>A, p.Leu702= (NM_001033604.2); c.2196G>A, p.Leu732= (NM_001033605.2); c.2211G>A, p.Leu737= (NM_001348036.1, NM_001348041.4, NM_001348043.3 and 1 more transcripts); c.1938G>A, p.Leu646= (NM_001348038.3); c.1833G>A, p.Leu611= (NM_001348039.3); c.2091G>A, p.Leu697= (NM_001348040.3, NM_014451.4); c.2076G>A, p.Leu692= (NM_001348042.3); c.1740G>A, p.Leu580= (NM_001348044.3); and 2 more.
Identifiers: ClinVar variation 910981 (VCV000910981.17), dbSNP rs144672900, ClinGen allele CA4214624.